The following is an entry in ClinVar:

NM_000202.8(IDS):c.1090C>T (p.Pro364Ser)

Genes: IDS (iduronate 2-sulfatase; minus strand), LOC106050102 (IDS recombination region; plus strand). Cytogenetic location: Xq28.
Variant type: single nucleotide variant.
Coding change: c.1090C>T on transcript NM_000202.8 (MANE Select); coding-DNA position 1090, C replaced by T.
Protein change: p.Pro364Ser; replaces proline 364 with serine.
Molecular consequence: missense variant.
Genome position (GRCh38, 1-based): chrX:149,487,015, G>A on the plus strand (C>T on the coding strand, the complement: IDS is on the minus strand). VCF-style: chrX-149487015-G-A. GRCh37 (hg19) VCF-style: chrX-148568546-G-A.
Other names: c.820C>T, p.Pro274Ser (NM_001166550.4); short protein forms P364S, P274S.
Identifiers: ClinVar variation 1468376 (VCV001468376.8), dbSNP rs2124005937, ClinGen allele CA414518853.
Genomic context (GRCh38, chrX:149,487,015, plus strand): 5'-AAGGGTCGAGGTAAGGGAAAAGCTTCTCGCCTGCCTCCGGAAGTGAAGCCGTCCTTCCAG[G>A]AACATAGAATATCAGGGGAACATGGGTAGCAACATCAAAATTGCTGTATTTGGCCCATTC-3'
Protein context (NP_000193.1, residues 354-374): ATHVPLIFYV[Pro364Ser]GRTASLPEAG

ClinVar aggregate classification (germline): Uncertain significance (1 of 4 stars; one submission).

Conditions:
Mucopolysaccharidosis, MPS-II (MPS2). Also called: IDURONATE 2-SULFATASE DEFICIENCY; Mucopolysaccharidosis Type II; Attenuated MPS (subtype; formerly known as mild MPS II); Severe MPS II; I2S deficiency; MPS 2. Identifiers: Orphanet 580, Orphanet 79388, MedGen C0026705, MONDO:0010674, OMIM 309900.

Submission:

Labcorp Genetics (formerly Invitae), Labcorp
Classification: Uncertain significance for Mucopolysaccharidosis, MPS-II. Last evaluated: 2026-01-19. Review status: criteria provided, single submitter. Criteria: Invitae Variant Classification Sherloc (09022015). Collection method: clinical testing. Allele origin: germline.
Comment: This sequence change replaces proline, which is neutral and non-polar, with serine, which is neutral and polar, at codon 364 of the IDS protein (p.Pro364Ser). This variant is not present in population databases (gnomAD no frequency). This variant has not been reported in the literature in individuals affected with IDS-related conditions. ClinVar contains an entry for this variant (Variation ID: 1468376). Invitae Evidence Modeling of protein sequence and biophysical properties (such as structural, functional, and spatial information, amino acid conservation, physicochemical variation, residue mobility, and thermodynamic stability) indicates that this missense variant is expected to disrupt IDS protein function with a positive predictive value of 80%. In summary, the available evidence is currently insufficient to determine the role of this variant in disease. Therefore, it has been classified as a Variant of Uncertain Significance.